The following is an entry in ClinVar:

ClinVar aggregate classification (germline): Uncertain significance (1 of 4 stars; one submission).

Conditions:
Epidermolysis bullosa simplex 3, localized or generalized intermediate, with BP230 deficiency (EBS3). Also called: Epidermolysis bullosa simplex due to BP230 deficiency; Epidermolysis bullosa simplex, autosomal recessive 2. Identifiers: Orphanet 412181, MedGen C3809470, MONDO:0014180, OMIM 615425.
Hereditary sensory and autonomic neuropathy type 6. Also called: HSAN VI; Neuropathy, hereditary sensory and autonomic, type VI. Identifiers: Orphanet 314381, MedGen C3539003, MONDO:0013839, OMIM 614653.

Allele frequency attached by ClinVar (database versions not stated): TOPMed below 0.00001.

Submission:

Labcorp Genetics (formerly Invitae), Labcorp
Classification: Uncertain significance for Epidermolysis bullosa simplex 3, localized or generalized intermediate, with BP230 deficiency; Hereditary sensory and autonomic neuropathy type 6. Last evaluated: 2021-12-09. Review status: criteria provided, single submitter. Criteria: Invitae Variant Classification Sherloc (09022015). Collection method: clinical testing. Allele origin: germline.
Comment: In summary, the available evidence is currently insufficient to determine the role of this variant in disease. Therefore, it has been classified as a Variant of Uncertain Significance. Experimental studies and prediction algorithms are not available or were not evaluated, and the functional significance of this variant is currently unknown. This variant has not been reported in the literature in individuals affected with DST-related conditions. This variant is not present in population databases (gnomAD no frequency). This sequence change replaces alanine, which is neutral and non-polar, with proline, which is neutral and non-polar, at codon 5162 of the DST protein (p.Ala5162Pro). The DST gene has multiple clinically relevant transcripts. This variant occurs in alternate transcript NM_015548.4, and corresponds to NM_001723.5:c.*156480G>C in the primary transcript.

NM_001374736.1(DST):c.23425G>C (p.Ala7809Pro)

Gene: DST (dystonin; minus strand). Cytogenetic location: 6p12.1.
Variant type: single nucleotide variant.
Coding change: c.23425G>C on transcript NM_001374736.1 (MANE Select); coding-DNA position 23425, G replaced by C.
Protein change: p.Ala7809Pro; replaces alanine 7809 with proline.
Molecular consequence: missense variant.
Genome position (GRCh38, 1-based): chr6:56,459,037, C>G on the plus strand (G>C on the coding strand, the complement: DST is on the minus strand). VCF-style: chr6-56459037-C-G. GRCh37 (hg19) VCF-style: chr6-56323835-C-G.
Other names: c.16996G>C, p.Ala5666Pro (NM_001144769.5); c.16582G>C, p.Ala5528Pro (NM_001144770.2); c.23353G>C, p.Ala7785Pro (NM_001374722.1); c.22354G>C, p.Ala7452Pro (NM_001374729.1); c.16096G>C, p.Ala5366Pro (NM_001374730.1); c.23380G>C, p.Ala7794Pro (NM_001374734.1); c.16444G>C, p.Ala5482Pro (NM_001386100.1); c.15484G>C, p.Ala5162Pro (NM_015548.5); and 1 more; short protein forms A7452P, A7794P, A5366P, A5482P, A5528P, A5666P, A5162P, A7785P.
Identifiers: ClinVar variation 1443564 (VCV001443564.4), dbSNP rs2094188733, ClinGen allele CA364502639.